The following is an entry in ClinVar:

NM_000062.3(SERPING1):c.740G>C (p.Ser247Thr)

Gene: SERPING1 (serpin family G member 1; plus strand). Cytogenetic location: 11q12.1.
Variant type: single nucleotide variant.
Coding change: c.740G>C on transcript NM_000062.3 (MANE Select); coding-DNA position 740, G replaced by C.
Protein change: p.Ser247Thr; replaces serine 247 with threonine.
Molecular consequence: missense variant.
Genome position (GRCh38, 1-based): chr11:57,606,064, G>C. VCF-style: chr11-57606064-G-C. GRCh37 (hg19) VCF-style: chr11-57373537-G-C.
Other names: c.740G>C, p.Ser247Thr (NM_001032295.2); short protein forms S247T.
Identifiers: ClinVar variation 3440082 (VCV003440082.1).

ClinVar aggregate classification (germline): Uncertain significance (1 of 4 stars; one submission).

Conditions:
Inborn genetic diseases. Identifiers: MedGen C0950123, MeSH D030342.

Submission:

Ambry Genetics
Classification: Uncertain significance for Inborn genetic diseases. Last evaluated: 2024-09-04. Review status: criteria provided, single submitter. Criteria: Ambry Variant Classification Scheme 2023. Collection method: clinical testing. Allele origin: germline.
Comment: The p.S247T variant (also known as c.740G>C), located in coding exon 4 of the SERPING1 gene, results from a G to C substitution at nucleotide position 740. The serine at codon 247 is replaced by threonine, an amino acid with similar properties. This amino acid position is conserved. In addition, this alteration is predicted to be tolerated by in silico analysis. Based on the available evidence, the clinical significance of this variant remains unclear.